The following is an entry in ClinVar:

ClinVar aggregate classification (germline): Uncertain significance. Review status: criteria provided, multiple submitters, no conflicts (2 of 4 stars). 2 submissions from 2 submitters: Uncertain significance (2). Last evaluated 2023-12-18.

Conditions:
Marfan syndrome (MFS). Also called: MARFAN SYNDROME, TYPE I; Marfan syndrome type 1; Marfan's syndrome; Marfan syndrome, classic; FBN1-Related Marfan Syndrome. Identifiers: Orphanet 284963, Orphanet 558, MedGen C0024796, MONDO:0007947, OMIM 154700.
Familial thoracic aortic aneurysm and aortic dissection (TAAD). Also called: Thoracic aortic aneurysms and dissections. Identifiers: Orphanet 91387, MedGen C4707243, MONDO:0019625.

Submissions (2):

All of Us Research Program, National Institutes of Health
Classification: Uncertain significance for Marfan syndrome. Last evaluated: 2023-12-18. Review status: criteria provided, single submitter. Criteria: ACMG Guidelines, 2015. Collection method: clinical testing. Allele origin: germline. Inheritance: Autosomal dominant inheritance. Observed: 1 variant allele, 1 heterozygote.
Comment: This missense variant replaces asparagine with threonine at codon 2304 of the FBN1 protein. Computational prediction suggests that this variant may have deleterious impact on protein structure and function (internally defined REVEL score threshold >= 0.7, PMID: 27666373). To our knowledge, functional studies have not been reported for this variant. This variant has not been reported in individuals affected with FBN1-related disorders in the literature. This variant has not been identified in the general population by the Genome Aggregation Database (gnomAD). The available evidence is insufficient to determine the role of this variant in disease conclusively. Therefore, this variant is classified as a Variant of Uncertain Significance.

This study involves interpretation of variants in research participants for the purpose of population health screening. Participant phenotype was not available at the time of variant classification. Additional details can be found in publication PMID: 35346344, PMCID: PMC8962531

Labcorp Genetics (formerly Invitae), Labcorp
Classification: Uncertain significance for Marfan syndrome; Familial thoracic aortic aneurysm and aortic dissection. Last evaluated: 2023-09-01. Review status: criteria provided, single submitter. Criteria: Invitae Variant Classification Sherloc (09022015). Collection method: clinical testing. Allele origin: germline.
Comment: This sequence change replaces asparagine, which is neutral and polar, with threonine, which is neutral and polar, at codon 2304 of the FBN1 protein (p.Asn2304Thr). This variant is not present in population databases (gnomAD no frequency). This variant has not been reported in the literature in individuals affected with FBN1-related conditions. Advanced modeling of protein sequence and biophysical properties (such as structural, functional, and spatial information, amino acid conservation, physicochemical variation, residue mobility, and thermodynamic stability) performed at Invitae indicates that this missense variant is expected to disrupt FBN1 protein function. In summary, the available evidence is currently insufficient to determine the role of this variant in disease. Therefore, it has been classified as a Variant of Uncertain Significance.

NM_000138.5(FBN1):c.6911A>C (p.Asn2304Thr)

Gene: FBN1 (fibrillin 1; minus strand). Cytogenetic location: 15q21.1.
Variant type: single nucleotide variant.
Coding change: c.6911A>C on transcript NM_000138.5 (MANE Select); coding-DNA position 6911, A replaced by C.
Protein change: p.Asn2304Thr; replaces asparagine 2304 with threonine.
Molecular consequence: missense variant.
Genome position (GRCh38, 1-based): chr15:48,428,432, T>G on the plus strand (A>C on the coding strand, the complement: FBN1 is on the minus strand). VCF-style: chr15-48428432-T-G. GRCh37 (hg19) VCF-style: chr15-48720629-T-G.
Other names: c.6911A>C, p.Asn2304Thr (NM_001406716.1); short protein forms N2304T.
Identifiers: ClinVar variation 2948021 (VCV002948021.4), dbSNP rs375939213, ClinGen allele CA269521866.